The following is an entry in ClinVar:

ClinVar aggregate classification (germline): Pathogenic/Likely pathogenic. Review status: criteria provided, multiple submitters, no conflicts (2 of 4 stars). 3 submissions from 3 submitters: Pathogenic (1); Likely pathogenic (2). Last evaluated 2024-10-16.

Conditions:
Hereditary breast ovarian cancer syndrome. Also called: Hereditary breast and ovarian cancer syndrome (HBOC); Hereditary breast and/or ovarian cancer syndrome; Hereditary breast and ovarian cancer; BRCA1- and BRCA2-Associated Hereditary Breast and Ovarian Cancer; Hereditary breast and ovarian cancer syndrome; Breast and ovarian cancer. Identifiers: Orphanet 145, MedGen C0677776, MeSH D061325, MONDO:0003582. Disease mechanism: loss of function.
Familial cancer of breast. Also called: Hereditary breast cancer; hereditary breast carcinoma; BREAST CANCER, FAMILIAL. Identifiers: Orphanet 227535, MedGen C0346153, MONDO:0016419, OMIM 114480. Disease mechanism: loss of function.

Submissions (3):

Labcorp Genetics (formerly Invitae), Labcorp
Classification: Pathogenic for Hereditary breast ovarian cancer syndrome. Last evaluated: 2024-10-16. Review status: criteria provided, single submitter. Criteria: Invitae Variant Classification Sherloc (09022015). Collection method: clinical testing. Allele origin: germline.
Comment: This sequence change creates a premature translational stop signal (p.Gly934Valfs*26) in the BRCA2 gene. It is expected to result in an absent or disrupted protein product. Loss-of-function variants in BRCA2 are known to be pathogenic (PMID: 20104584). This variant is not present in population databases (gnomAD no frequency). This variant has not been reported in the literature in individuals affected with BRCA2-related conditions. ClinVar contains an entry for this variant (Variation ID: 1073356). For these reasons, this variant has been classified as Pathogenic.

Baylor Genetics
Classification: Likely pathogenic for Familial cancer of breast. Last evaluated: 2023-07-31. Review status: criteria provided, single submitter. Criteria: ACMG Guidelines, 2015. Collection method: clinical testing. Allele origin: unknown.

Quest Diagnostics Nichols Institute San Juan Capistrano
Classification: Likely pathogenic. Last evaluated: 2021-07-01. Review status: criteria provided, single submitter. Criteria: Quest Diagnostics criteria. Collection method: clinical testing. Allele origin: unknown.
Comment: This frameshift variant is predicted to cause the premature termination of BRCA2 protein synthesis. To the best of our knowledge, the variant has not been reported in the published literature. Based on the available information, this variant is classified as likely pathogenic.

Literature cited by the submitters: PubMed 20104584 (cited by Labcorp Genetics (formerly Invitae), Labcorp).

NM_000059.4(BRCA2):c.2801del (p.Gly934fs)

Gene: BRCA2 (BRCA2 DNA repair associated; plus strand). Cytogenetic location: 13q13.1.
Variant type: Deletion.
Coding change: c.2801del on transcript NM_000059.4 (MANE Select); coding-DNA position 2801, one base deleted (G; older notation c.2801delG).
Protein change: p.Gly934fs; shifts the reading frame from glycine 934.
Molecular consequence: frameshift variant.
Genome position (GRCh38, 1-based): chr13:32,337,156, G deleted; the last of 2 consecutive G bases (chr13:32,337,155-32,337,156); deleting either gives the same sequence. VCF-style (leftmost placement, unchanged base first): chr13-32337154-AG-A. GRCh37 (hg19) VCF-style: chr13-32911291-AG-A.
Other names: short protein forms G934fs.
Identifiers: ClinVar variation 1073356 (VCV001073356.12), dbSNP rs2137490061, ClinGen allele CA2499222117.